The following is an entry in ClinVar:

ClinVar aggregate classification (germline): Uncertain significance. Review status: criteria provided, single submitter (1 of 4 stars). 2 submissions from 2 submitters: Uncertain significance (1). 1 of the submissions does not count toward it. Last evaluated 2019-10-04.

Conditions:
Inborn genetic diseases. Identifiers: MedGen C0950123, MeSH D030342.
OPTN-related disorder. Also called: OPTN-related disorders; OPTN-related condition.

Allele frequency attached by ClinVar (database versions not stated): gnomAD exomes below 0.00001.
gnomAD v4.1: 4 of 1,614,104 alleles (0.00025%); highest among the groups gnomAD compares: African/African-American, 0.0013%; no homozygotes.

Submissions (2):

Ambry Genetics
Classification: Uncertain significance for Inborn genetic diseases. Last evaluated: 2019-10-04. Review status: criteria provided, single submitter. Criteria: Ambry Variant Classification Scheme 2023. Collection method: clinical testing. Allele origin: germline.
Comment: The p.R83H variant (also known as c.248G>A), located in coding exon 2 of the OPTN gene, results from a G to A substitution at nucleotide position 248. The arginine at codon 83 is replaced by histidine, an amino acid with highly similar properties. This amino acid position is highly conserved in available vertebrate species. In addition, the in silico prediction for this alteration is inconclusive. Since supporting evidence is limited at this time, the clinical significance of this alteration remains unclear.

PreventionGenetics, part of Exact Sciences
Classification: Uncertain significance for OPTN-related condition. Last evaluated: 2024-09-05. Review status: no assertion criteria provided. Collection method: clinical testing. Allele origin: germline. Not counted in ClinVar's aggregate classification.
Comment: The OPTN c.248G>A variant is predicted to result in the amino acid substitution p.Arg83His. To our knowledge, this variant has not been reported in the literature or in a large population database, indicating this variant is rare. An alternate nucleotide change affecting the same amino acid (p.Arg83Cys) has been reported in individuals with amyotrophic lateral sclerosis (Grassano et al. 2021. PubMed ID: 33208543; Yang et al. 2021. PubMed ID: 32893042). At this time, the clinical significance of this variant is uncertain due to the absence of conclusive functional and genetic evidence.

NM_001008212.2(OPTN):c.248G>A (p.Arg83His)

Genes: OPTN (optineurin; plus strand), LOC108903148 (10p13 OPTN distal Alu-mediated recombination region; plus strand). Cytogenetic location: 10p13.
Variant type: single nucleotide variant.
Coding change: c.248G>A on transcript NM_001008212.2 (MANE Select); coding-DNA position 248, G replaced by A.
Protein change: p.Arg83His; replaces arginine 83 with histidine.
Molecular consequence: missense variant.
Genome position (GRCh38, 1-based): chr10:13,110,355, G>A. VCF-style: chr10-13110355-G-A. GRCh37 (hg19) VCF-style: chr10-13152355-G-A.
Other names: c.248G>A, p.Arg83His (NM_001008211.1, NM_001008213.1, NM_021980.4); short protein forms R83H.
Identifiers: ClinVar variation 1792048 (VCV001792048.3), dbSNP rs2539036324, ClinGen allele CA376027485.